The following is an entry in ClinVar:

ClinVar aggregate classification (germline): Uncertain significance. Review status: criteria provided, multiple submitters, no conflicts (2 of 4 stars). 2 submissions from 2 submitters: Uncertain significance (2). Last evaluated 2024-08-19.

Conditions:
Inborn genetic diseases. Identifiers: MedGen C0950123, MeSH D030342.
Hermansky-Pudlak syndrome 9 (HPS9). Identifiers: Orphanet 280663, Orphanet 79430, MedGen C3280026, MONDO:0013606, OMIM 614171.

Allele frequency attached by ClinVar (database versions not stated): gnomAD 0.00001 and 0.00002; gnomAD exomes 0.00001; TOPMed 0.00002.

Submissions (2):

Ambry Genetics
Classification: Uncertain significance for Inborn genetic diseases. Last evaluated: 2024-08-19. Review status: criteria provided, single submitter. Criteria: Ambry Variant Classification Scheme 2023. Collection method: clinical testing. Allele origin: germline.

Labcorp Genetics (formerly Invitae), Labcorp
Classification: Uncertain significance for Hermansky-Pudlak syndrome 9. Last evaluated: 2021-08-27. Review status: criteria provided, single submitter. Criteria: Invitae Variant Classification Sherloc (09022015). Collection method: clinical testing. Allele origin: germline.
Comment: This sequence change replaces lysine with glutamic acid at codon 131 of the BLOC1S6 protein (p.Lys131Glu). The lysine residue is highly conserved and there is a small physicochemical difference between lysine and glutamic acid. This variant is not present in population databases (ExAC no frequency). This variant has not been reported in the literature in individuals affected with BLOC1S6-related conditions. Algorithms developed to predict the effect of missense changes on protein structure and function are either unavailable or do not agree on the potential impact of this missense change (SIFT: "Deleterious"; PolyPhen-2: "Probably Damaging"; Align-GVGD: "Class C0"). In summary, the available evidence is currently insufficient to determine the role of this variant in disease. Therefore, it has been classified as a Variant of Uncertain Significance.

NM_012388.4(BLOC1S6):c.391A>G (p.Lys131Glu)

Gene: BLOC1S6 (biogenesis of lysosomal organelles complex 1 subunit 6; plus strand). Cytogenetic location: 15q21.1.
Variant type: single nucleotide variant.
Coding change: c.391A>G on transcript NM_012388.4 (MANE Select); coding-DNA position 391, A replaced by G.
Protein change: p.Lys131Glu; replaces lysine 131 with glutamic acid.
Molecular consequence: missense variant. On other transcripts: 3 prime UTR variant (1), non-coding transcript variant (9).
Genome position (GRCh38, 1-based): chr15:45,605,506, A>G. VCF-style: chr15-45605506-A-G. GRCh37 (hg19) VCF-style: chr15-45897704-A-G.
Other names: c.391A>G (NM_012388.2); c.406A>G, p.Lys136Glu (NM_001311255.1); c.*42A>G (NM_001311256.1); short protein forms K131E, K136E.
Identifiers: ClinVar variation 654312 (VCV000654312.7), dbSNP rs1339131805, ClinGen allele CA392300708.
Genomic context (GRCh38, chr15:45,605,506, plus strand): 5'-TATCATGCCAAGTTGGTGAATATAAGAAAAGAGATGCTGATGCTTCATGAAAAAACATCA[A>G]AGTTAAAAGTGAGTTGAAAATTCTTTCACATTCTTTACAAAAGTAGAGGTTTAATTGTTT-3'
Protein context (NP_036520.1, residues 121-141): EMLMLHEKTS[Lys131Glu]LKKRALKLQQ